The following is an entry in ClinVar:

ClinVar aggregate classification (germline): Uncertain significance. Review status: criteria provided, multiple submitters, no conflicts (2 of 4 stars). 2 submissions from 2 submitters: Uncertain significance (2). Last evaluated 2025-07-18.

Conditions:
Familial hypercholesterolemia. Also called: Familial hypercholesterolaemia; Familial hypercholesterolemias. Identifiers: MedGen C0020445, MONDO:0005439.
Hypercholesterolemia, autosomal dominant, 3 (FHCL3). Also called: PCSK9-Related Familial Hypercholesterolemia, Autosomal Dominant; Familial hypercholesterolemia 3; Familial Hypercholesterolemia, Autosomal Dominant, 3. Identifiers: MedGen C1863551, MONDO:0011369, OMIM 603776.

Allele frequency attached by ClinVar (database versions not stated): gnomAD exomes below 0.00001; TOPMed below 0.00001.
gnomAD v4.1: 3 of 1,610,358 alleles (0.00019%); highest among the groups gnomAD compares: Non-Finnish European, 0.00025%; no homozygotes.

Submissions (2):

Color Diagnostics, LLC DBA Color Health
Classification: Uncertain significance for Familial hypercholesterolemia. Last evaluated: 2025-07-18. Review status: criteria provided, single submitter. Criteria: ACMG Guidelines, 2015. Collection method: clinical testing. Allele origin: germline.
Comment: This missense variant replaces proline with leucine at codon 279 of the PCSK9 protein. Computational prediction is inconclusive regarding the impact of this variant on protein structure and function. To our knowledge, functional studies have not been reported for this variant. This variant has been reported in individuals affected with familial hypercholesterolemia (PMID: 37370883, 39459389). This variant has not been identified in the general population by the Genome Aggregation Database (gnomAD). The available evidence is insufficient to determine the role of this variant in disease conclusively. Therefore, this variant is classified as a Variant of Uncertain Significance.

All of Us Research Program, National Institutes of Health
Classification: Uncertain significance for Hypercholesterolemia, autosomal dominant, 3. Last evaluated: 2024-03-05. Review status: criteria provided, single submitter. Criteria: ACMG Guidelines, 2015. Collection method: clinical testing. Allele origin: germline. Inheritance: Autosomal dominant inheritance. Observed: 1 variant allele, 1 heterozygote.
Comment: Variant of Uncertain Significance due to insufficient evidence: This missense variant is located in the catalytic peptidase domain of the PCSK9 protein. Computational prediction tools and conservation analyses are inconclusive regarding the impact of this variant on the protein function. Computational splicing tools suggest that this variant may not impact RNA splicing. To our knowledge, functional assays have not been performed for this variant nor has this variant been reported in individuals affected with familial hypercholesterolemia in the literature. This variant is rare in the general population and has been identified in 0/277264 chromosomes by the Genome Aggregation Database (gnomAD). Available evidence is insufficient to determine the pathogenicity of this variant conclusively.

This study involves interpretation of variants in research participants for the purpose of population health screening. Participant phenotype was not available at the time of variant classification. Additional details can be found in publication PMID: 35346344, PMCID: PMC8962531

Literature cited by the submitters: PubMed 37370883 (cited by Color Diagnostics, LLC DBA Color Health); PubMed 39459389 (cited by Color Diagnostics, LLC DBA Color Health).

NM_174936.4(PCSK9):c.836C>T (p.Pro279Leu)

Gene: PCSK9 (proprotein convertase subtilisin/kexin type 9; plus strand). Cytogenetic location: 1p32.3.
Variant type: single nucleotide variant.
Coding change: c.836C>T on transcript NM_174936.4 (MANE Select); coding-DNA position 836, C replaced by T.
Protein change: p.Pro279Leu; replaces proline 279 with leucine.
Molecular consequence: missense variant.
Genome position (GRCh38, 1-based): chr1:55,056,029, C>T. VCF-style: chr1-55056029-C-T. GRCh37 (hg19) VCF-style: chr1-55521702-C-T.
Other names: c.959C>T, p.Pro320Leu (NM_001407240.1); c.836C>T, p.Pro279Leu (NM_001407241.1, NM_001407244.1, NM_001407247.1); c.839C>T, p.Pro280Leu (NM_001407242.1); c.779C>T, p.Pro260Leu (NM_001407243.1); c.644C>T, p.Pro215Leu (NM_001407245.1); c.461C>T, p.Pro154Leu (NM_001407246.1); short protein forms P279L, P154L, P320L, P280L, P260L, P215L.
Identifiers: ClinVar variation 927123 (VCV000927123.6), dbSNP rs1049662014, ClinGen allele CA22762687.
Genomic context (GRCh38, chr1:55,056,029, plus strand): 5'-TGACCTTGGCTTTGTTCCTCCCAGGCCTGGAGTTTATTCGGAAAAGCCAGCTGGTCCAGC[C>T]TGTGGGGCCACTGGTGGTGCTGCTGCCCCTGGCGGGTGGGTACAGCCGCGTCCTCAACGC-3'
Protein context (NP_777596.2, residues 269-289): EFIRKSQLVQ[Pro279Leu]VGPLVVLLPL